The following is an entry in ClinVar:

NM_000512.5(GALNS):c.324C>T (p.Tyr108=)

Gene: GALNS (galactosamine (N-acetyl)-6-sulfatase; minus strand). Cytogenetic location: 16q24.3.
Variant type: single nucleotide variant.
Coding change: c.324C>T on transcript NM_000512.5 (MANE Select); coding-DNA position 324, C replaced by T.
Protein change: p.Tyr108=; no amino-acid change (tyrosine 108 retained).
Molecular consequence: synonymous variant. On other transcripts: 5 prime UTR variant (1).
Genome position (GRCh38, 1-based): chr16:88,841,090, G>A on the plus strand (C>T on the coding strand, the complement: GALNS is on the minus strand). VCF-style: chr16-88841090-G-A. GRCh37 (hg19) VCF-style: chr16-88907498-G-A.
Other names: p.Tyr108=; c.-232C>T (NM_001323543.2); c.342C>T, p.Tyr114= (NM_001323544.2).
Identifiers: ClinVar variation 774722 (VCV000774722.45), dbSNP rs150582627, ClinGen allele CA8235196.

ClinVar aggregate classification (germline): Conflicting classifications of pathogenicity. Review status: criteria provided, conflicting classifications (1 of 4 stars). 7 submissions from 7 submitters: Uncertain significance (1); Likely benign (5). 1 of the submissions does not count toward it. Last evaluated 2026-09-01.

Conditions:
GALNS-related disorder. Also called: GALNS-related condition.
Mucopolysaccharidosis, MPS-IV-A (MPS4A). Also called: mucopolysaccharidosis type 4A; GALACTOSAMINE-6-SULFATASE DEFICIENCY; GALNS DEFICIENCY; MORQUIO A DISEASE; Mucopolysaccharidosis type IV A; Mucopolysaccharidosis Type IVA. Identifiers: Orphanet 309297, Orphanet 582, MedGen C0086651, MONDO:0009659, OMIM 253000.

Allele frequency attached by ClinVar (database versions not stated): 1000 Genomes Project 30x 0.00031; 1000 Genomes Project 0.00040; ESP Exome Variant Server 0.00062; gnomAD 0.00072 and 0.00077; TOPMed 0.00073; gnomAD exomes 0.00088 and 0.00114; ExAC 0.00094.
gnomAD v4.1: 1,769 of 1,612,862 alleles (0.11%); highest among the groups gnomAD compares: Non-Finnish European, 0.14%; 2 homozygotes.

Submissions (7):

CeGaT Center for Human Genetics Tuebingen
Classification: Likely benign. Last evaluated: 2026-09-01. Review status: criteria provided, single submitter. Criteria: CeGaT Center For Human Genetics Tuebingen Variant Classification Criteria Version 2. Collection method: clinical testing. Allele origin: germline. Affected: yes. Observed: 3 variant alleles.
Comment: GALNS: BP4, BP7

Labcorp Genetics (formerly Invitae), Labcorp
Classification: Likely benign for Mucopolysaccharidosis, MPS-IV-A. Last evaluated: 2026-02-01. Review status: criteria provided, single submitter. Criteria: Invitae Variant Classification Sherloc (09022015). Collection method: clinical testing. Allele origin: germline.

Mayo Clinic Laboratories, Mayo Clinic
Classification: Likely benign. Last evaluated: 2024-11-25. Review status: criteria provided, single submitter. Criteria: ACMG Guidelines, 2015. Collection method: clinical testing. Allele origin: germline. Observed: 1 variant allele.
Comment: BP4, BP7

Blueprint Genetics
Classification: Likely benign. Last evaluated: 2024-11-21. Review status: criteria provided, single submitter. Criteria: ACMG Guidelines, 2015. Collection method: clinical testing. Allele origin: germline.

Genome-Nilou Lab
Classification: Likely benign for Mucopolysaccharidosis, MPS-IV-A. Last evaluated: 2021-11-07. Review status: criteria provided, single submitter. Criteria: ACMG Guidelines, 2015. Collection method: clinical testing. Allele origin: germline. Affected: no.

Illumina Laboratory Services, Illumina
Classification: Uncertain significance for Mucopolysaccharidosis, MPS-IV-A. Last evaluated: 2017-04-27. Review status: criteria provided, single submitter. Criteria: ICSL Variant Classification Criteria 13 December 2019. Collection method: clinical testing. Allele origin: germline.
Comment: This variant was observed as part of a predisposition screen in an ostensibly healthy population. A literature search was performed for the gene, cDNA change, and amino acid change (where applicable). Publications were found based on this search. However, the evidence from the literature, in combination with allele frequency data from public databases where available, was not sufficient to rule this variant in or out of causing disease. Therefore, this variant is classified as a variant of unknown significance.

PreventionGenetics, part of Exact Sciences
Classification: Likely benign for GALNS-related condition. Last evaluated: 2020-01-02. Review status: no assertion criteria provided. Collection method: clinical testing. Allele origin: germline. Not counted in ClinVar's aggregate classification.
Comment: This variant is classified as likely benign based on ACMG/AMP sequence variant interpretation guidelines (Richards et al. 2015 PMID: 25741868, with internal and published modifications).

Literature cited by the submitters: PubMed 22940367 (cited by Illumina Laboratory Services, Illumina).